The following is an entry in ClinVar:

NM_004260.4(RECQL4):c.2563T>C (p.Cys855Arg)

Gene: RECQL4 (RecQ like helicase 4; minus strand). Cytogenetic location: 8q24.3.
Variant type: single nucleotide variant.
Coding change: c.2563T>C on transcript NM_004260.4 (MANE Select); coding-DNA position 2563, T replaced by C.
Protein change: p.Cys855Arg; replaces cysteine 855 with arginine.
Molecular consequence: missense variant.
Genome position (GRCh38, 1-based): chr8:144,513,039, A>G on the plus strand (T>C on the coding strand, the complement: RECQL4 is on the minus strand). VCF-style: chr8-144513039-A-G. GRCh37 (hg19) VCF-style: chr8-145738422-A-G.
Other names: short protein forms C855R.
Identifiers: ClinVar variation 1319126 (VCV001319126.5), dbSNP rs867982056, ClinGen allele CA372677051.

ClinVar aggregate classification (germline): Uncertain significance. Review status: criteria provided, multiple submitters, no conflicts (2 of 4 stars). 2 submissions from 2 submitters: Uncertain significance (2). Last evaluated 2022-03-12.

Conditions:
Baller-Gerold syndrome (BGS). Also called: CRANIOSYNOSTOSIS WITH RADIAL DEFECTS. Identifiers: Orphanet 1225, MedGen C0265308, MONDO:0009039, OMIM 218600.

Allele frequency attached by ClinVar (database versions not stated): gnomAD exomes 0.00001.
gnomAD v4.1: 2 of 1,576,776 alleles (0.00013%); highest among the groups gnomAD compares: Admixed American, 0.0018%; no homozygotes.

Submissions (2):

Labcorp Genetics (formerly Invitae), Labcorp
Classification: Uncertain significance for Baller-Gerold syndrome. Last evaluated: 2022-03-12. Review status: criteria provided, single submitter. Criteria: Invitae Variant Classification Sherloc (09022015). Collection method: clinical testing. Allele origin: germline.
Comment: This sequence change replaces cysteine, which is neutral and slightly polar, with arginine, which is basic and polar, at codon 855 of the RECQL4 protein (p.Cys855Arg). In summary, the available evidence is currently insufficient to determine the role of this variant in disease. Therefore, it has been classified as a Variant of Uncertain Significance. Experimental studies and prediction algorithms are not available or were not evaluated, and the functional significance of this variant is currently unknown. ClinVar contains an entry for this variant (Variation ID: 1319126). This variant has not been reported in the literature in individuals affected with RECQL4-related conditions. The frequency data for this variant in the population databases is considered unreliable, as metrics indicate poor data quality at this position in the gnomAD database.

Institute for Clinical Genetics, University Hospital TU Dresden, University Hospital TU Dresden
Classification: Uncertain significance. Last evaluated: 2021-11-03. Review status: criteria provided, single submitter. Criteria: ACMG Guidelines, 2015. Collection method: clinical testing. Allele origin: germline.